The following is an entry in ClinVar:

NM_014797.3(ZBTB24):c.14C>T (p.Ser5Leu)

Gene: ZBTB24 (zinc finger and BTB domain containing 24; minus strand). Cytogenetic location: 6q21.
Variant type: single nucleotide variant.
Coding change: c.14C>T on transcript NM_014797.3 (MANE Select); coding-DNA position 14, C replaced by T.
Protein change: p.Ser5Leu; replaces serine 5 with leucine.
Molecular consequence: missense variant.
Genome position (GRCh38, 1-based): chr6:109,482,013, G>A on the plus strand (C>T on the coding strand, the complement: ZBTB24 is on the minus strand). VCF-style: chr6-109482013-G-A. GRCh37 (hg19) VCF-style: chr6-109803216-G-A.
Other names: c.14C>T, p.Ser5Leu (NM_001164313.2); short protein forms S5L.
Identifiers: ClinVar variation 472199 (VCV000472199.36), dbSNP rs192918926, ClinGen allele CA3954411.
Genomic context (GRCh38, chr6:109,482,013, plus strand): 5'-GCCAGCACAGTGTCACTGTGAGCGTCTGAGTGTACAACAAGCTGCCCAGAAGGCTCTGGC[G>A]ATGTTTCTGCCATTTTCTTCAGAAGCCACTAAGGGTTAAATCTGAAATAAGAAAACAAGG-3'
Protein context (NP_055612.2, residues 1-15): MAET[Ser5Leu]PEPSGQLVVH

ClinVar aggregate classification (germline): Benign/Likely benign. Review status: criteria provided, multiple submitters, no conflicts (2 of 4 stars). 5 submissions from 5 submitters: Benign (2); Likely benign (3). Last evaluated 2026-02-04.

Conditions:
Inborn genetic diseases. Identifiers: MedGen C0950123, MeSH D030342.
Immunodeficiency-centromeric instability-facial anomalies syndrome 2 (ICF2). Identifiers: Orphanet 2268, MedGen C3279748, MONDO:0013553, OMIM 614069.

Allele frequency attached by ClinVar (database versions not stated): gnomAD 0.00037 and 0.00048; TOPMed 0.00048; ExAC 0.00077; gnomAD exomes 0.00085; 1000 Genomes Project 30x 0.00234; 1000 Genomes Project 0.00260.
gnomAD v4.1: 335 of 1,614,118 alleles (0.021%); highest among the groups gnomAD compares: East Asian, 0.55%; 3 homozygotes.

Submissions (5):

Labcorp Genetics (formerly Invitae), Labcorp
Classification: Benign for Immunodeficiency-centromeric instability-facial anomalies syndrome 2. Last evaluated: 2026-02-04. Review status: criteria provided, single submitter. Criteria: Invitae Variant Classification Sherloc (09022015). Collection method: clinical testing. Allele origin: germline.

Ambry Genetics
Classification: Likely benign for Inborn genetic diseases. Last evaluated: 2025-12-22. Review status: criteria provided, single submitter. Criteria: Ambry Variant Classification Scheme 2023. Collection method: clinical testing. Allele origin: germline.

Blueprint Genetics
Classification: Likely benign. Last evaluated: 2024-09-18. Review status: criteria provided, single submitter. Criteria: ACMG Guidelines, 2015. Collection method: clinical testing. Allele origin: germline.

CeGaT Center for Human Genetics Tuebingen
Classification: Likely benign. Last evaluated: 2024-01-01. Review status: criteria provided, single submitter. Criteria: CeGaT Center For Human Genetics Tuebingen Variant Classification Criteria Version 2. Collection method: clinical testing. Allele origin: germline. Affected: yes. Observed: 1 variant allele.
Comment: ZBTB24: BP4, BS1

Fulgent Genetics
Classification: Benign for Immunodeficiency-centromeric instability-facial anomalies syndrome 2. Last evaluated: 2021-08-16. Review status: criteria provided, single submitter. Criteria: ACMG Guidelines, 2015. Collection method: clinical testing. Allele origin: unknown.